The following is an entry in ClinVar:

ClinVar aggregate classification (germline): Uncertain significance (1 of 4 stars; one submission).

Conditions:
Cardiovascular phenotype. Identifiers: MedGen CN230736.

gnomAD v4.1: 3 of 1,184,312 alleles (0.00025%); highest among the groups gnomAD compares: Non-Finnish European, 0.00034%; no homozygotes.

Submission:

Ambry Genetics
Classification: Uncertain significance for Cardiovascular phenotype. Last evaluated: 2026-06-09. Review status: criteria provided, single submitter. Criteria: Ambry Variant Classification Scheme 2023. Collection method: clinical testing. Allele origin: germline.
Comment: The p.K2210N variant (also known as c.6630G>T), located in coding exon 46 of the DMD gene, results from a G to T substitution at nucleotide position 6630. The lysine at codon 2210 is replaced by asparagine, an amino acid with similar properties. This amino acid position is conserved. In addition, this alteration is predicted to be tolerated by in silico analysis. Based on the available evidence, the clinical significance of this variant remains unclear.

NM_004006.3(DMD):c.6630G>T (p.Lys2210Asn)

Gene: DMD (dystrophin; minus strand). Cytogenetic location: Xp21.1.
Variant type: single nucleotide variant.
Coding change: c.6630G>T on transcript NM_004006.3 (MANE Select); coding-DNA position 6630, G replaced by T.
Protein change: p.Lys2210Asn; replaces lysine 2210 with asparagine.
Molecular consequence: missense variant. On other transcripts: 5 prime UTR variant (5).
Genome position (GRCh38, 1-based): chrX:31,932,212, C>A on the plus strand (G>T on the coding strand, the complement: DMD is on the minus strand). VCF-style: chrX-31932212-C-A. GRCh37 (hg19) VCF-style: chrX-31950329-C-A.
Other names: c.6606G>T, p.Lys2202Asn (NM_000109.4); c.6618G>T, p.Lys2206Asn (NM_004009.3); c.6261G>T, p.Lys2087Asn (NM_004010.3); c.2607G>T, p.Lys869Asn (NM_004011.4); c.2598G>T, p.Lys866Asn (NM_004012.4); c.-751G>T (NM_004013.3, NM_004020.4, NM_004021.3 and 2 more transcripts); short protein forms K2087N, K2202N, K2206N, K2210N, K866N, K869N.
Identifiers: ClinVar variation 4869879 (VCV004869879.1).